The following is an entry in ClinVar:

ClinVar aggregate classification (germline): Likely benign. Review status: criteria provided, multiple submitters, no conflicts (2 of 4 stars). 3 submissions from 3 submitters: Likely benign (3). Last evaluated 2025-12-20.

Conditions:
Capillary malformation-arteriovenous malformation syndrome. Also called: Capillary malformation-arteriovenous malformation. Identifiers: Orphanet 137667, MedGen C1842180, MONDO:0012016.
Cardiovascular phenotype. Identifiers: MedGen CN230736.

Allele frequency attached by ClinVar (database versions not stated): gnomAD exomes 0.00004 and 0.00006; ExAC 0.00006; 1000 Genomes Project 30x 0.00016; 1000 Genomes Project 0.00020; gnomAD 0.00023 and 0.00025; ESP Exome Variant Server 0.00023; TOPMed 0.00025.
gnomAD v4.1: 103 of 1,614,100 alleles (0.0064%); highest among the groups gnomAD compares: African/African-American, 0.095%; no homozygotes.

Submissions (3):

Labcorp Genetics (formerly Invitae), Labcorp
Classification: Likely benign for Capillary malformation-arteriovenous malformation syndrome. Last evaluated: 2025-12-20. Review status: criteria provided, single submitter. Criteria: Invitae Variant Classification Sherloc (09022015). Collection method: clinical testing. Allele origin: germline.

Mayo Clinic Laboratories, Mayo Clinic
Classification: Likely benign. Last evaluated: 2025-05-19. Review status: criteria provided, single submitter. Criteria: ACMG Guidelines, 2015. Collection method: clinical testing. Allele origin: germline. Observed: 1 variant allele.
Comment: BS1_supporting, BP4_moderate, BP5

Ambry Genetics
Classification: Likely benign for Cardiovascular phenotype. Last evaluated: 2023-01-29. Review status: criteria provided, single submitter. Criteria: Ambry Variant Classification Scheme 2023. Collection method: clinical testing. Allele origin: germline.

Literature cited by the submitters: PubMed 30120215 (cited by Mayo Clinic Laboratories, Mayo Clinic).

NM_002890.3(RASA1):c.347T>C (p.Leu116Pro)

Gene: RASA1 (RAS p21 protein activator 1; plus strand). Cytogenetic location: 5q14.3.
Variant type: single nucleotide variant.
Coding change: c.347T>C on transcript NM_002890.3 (MANE Select); coding-DNA position 347, T replaced by C.
Protein change: p.Leu116Pro; replaces leucine 116 with proline.
Molecular consequence: missense variant.
Genome position (GRCh38, 1-based): chr5:87,268,798, T>C. VCF-style: chr5-87268798-T-C. GRCh37 (hg19) VCF-style: chr5-86564615-T-C.
Other names: p.Leu116Pro; short protein forms L116P.
Identifiers: ClinVar variation 697236 (VCV000697236.13), dbSNP rs145201086, ClinGen allele CA3335406.